The following is an entry in ClinVar:

ClinVar aggregate classification (germline): not provided (0 of 4 stars; one submission).

Conditions:
Blau syndrome (BLAUS). Also called: ARTHROCUTANEOUVEAL GRANULOMATOSIS; GRANULOMATOSIS, FAMILIAL JUVENILE SYSTEMIC; GRANULOMATOSIS, FAMILIAL, BLAU TYPE; GRANULOMATOUS INFLAMMATORY ARTHRITIS, DERMATITIS, AND UVEITIS, FAMILIAL; JABS SYNDROME. Identifiers: Orphanet 90340, MedGen C5201146, MONDO:0008523, OMIM 186580.

Allele frequency attached by ClinVar (database versions not stated): gnomAD exomes below 0.00001.
gnomAD v4.1: 3 of 1,613,886 alleles (0.00019%); highest among the groups gnomAD compares: South Asian, 0.0011%; no homozygotes.

Submission:

Unité médicale des maladies autoinflammatoires, CHRU Montpellier
No classification provided. Condition: Sarcoidosis, early-onset. Review status: no classification provided. Collection method: not provided. Allele origin: unknown.
Comment: also involved in OMIM 186580 and 266600

NM_001370466.1(NOD2):c.276G>T (p.Leu92=)

Gene: NOD2 (nucleotide binding oligomerization domain containing 2; plus strand). Cytogenetic location: 16q12.1.
Variant type: single nucleotide variant.
Coding change: c.276G>T on transcript NM_001370466.1 (MANE Select); coding-DNA position 276, G replaced by T.
Protein change: p.Leu92=; no amino-acid change (leucine 92 retained).
Molecular consequence: synonymous variant. On other transcripts: non-coding transcript variant (1).
Genome position (GRCh38, 1-based): chr16:50,699,771, G>T. VCF-style: chr16-50699771-G-T. GRCh37 (hg19) VCF-style: chr16-50733682-G-T.
Other names: c.357G>T (LRG_177t1); c.276G>T, p.Leu92= (NM_001293557.2); c.357G>T, p.Leu119= (NM_022162.3).
Identifiers: ClinVar variation 97903 (VCV000097903.1), dbSNP rs672601267, ClinGen allele CA150377.